The following is an entry in ClinVar:

ClinVar aggregate classification (germline): Uncertain significance (1 of 4 stars; one submission).

Conditions:
Dilated cardiomyopathy 1JJ (CMD1JJ). Identifiers: Orphanet 154, MedGen C3808935, MONDO:0014095, OMIM 615235.

Allele frequency attached by ClinVar (database versions not stated): gnomAD exomes below 0.00001.
gnomAD v4.1: 1 of 1,613,388 alleles (0.000062%); highest among the groups gnomAD compares: East Asian, 0.0022%; no homozygotes.

Submission:

Labcorp Genetics (formerly Invitae), Labcorp
Classification: Uncertain significance for Dilated cardiomyopathy 1JJ. Last evaluated: 2022-03-14. Review status: criteria provided, single submitter. Criteria: Invitae Variant Classification Sherloc (09022015). Collection method: clinical testing. Allele origin: germline.
Comment: In summary, the available evidence is currently insufficient to determine the role of this variant in disease. Therefore, it has been classified as a Variant of Uncertain Significance. Algorithms developed to predict the effect of missense changes on protein structure and function (SIFT, PolyPhen-2, Align-GVGD) all suggest that this variant is likely to be tolerated. This variant has not been reported in the literature in individuals affected with LAMA4-related conditions. This variant is not present in population databases (gnomAD no frequency). This sequence change replaces arginine, which is basic and polar, with serine, which is neutral and polar, at codon 779 of the LAMA4 protein (p.Arg779Ser).

NM_001105206.3(LAMA4):c.2358A>C (p.Arg786Ser)

Gene: LAMA4 (laminin subunit alpha 4; minus strand). Cytogenetic location: 6q21.
Variant type: single nucleotide variant.
Coding change: c.2358A>C on transcript NM_001105206.3 (MANE Select); coding-DNA position 2358, A replaced by C.
Protein change: p.Arg786Ser; replaces arginine 786 with serine.
Molecular consequence: missense variant.
Genome position (GRCh38, 1-based): chr6:112,144,929, T>G on the plus strand (A>C on the coding strand, the complement: LAMA4 is on the minus strand). VCF-style: chr6-112144929-T-G. GRCh37 (hg19) VCF-style: chr6-112466131-T-G.
Other names: c.2337A>C, p.Arg779Ser (NM_001105207.3, NM_002290.5); short protein forms R779S, R786S.
Identifiers: ClinVar variation 2112103 (VCV002112103.4), dbSNP rs2547034855, ClinGen allele CA365383035.